The following is an entry in ClinVar:

ClinVar aggregate classification (germline): Uncertain significance (1 of 4 stars; one submission).

Allele frequency attached by ClinVar (database versions not stated): ExAC 0.00001.
gnomAD v4.1: 2 of 1,614,202 alleles (0.00012%); no homozygotes.

Submission:

Labcorp Genetics (formerly Invitae), Labcorp
Classification: Uncertain significance. Last evaluated: 2023-12-11. Review status: criteria provided, single submitter. Criteria: Invitae Variant Classification Sherloc (09022015). Collection method: clinical testing. Allele origin: germline.
Comment: This sequence change replaces serine, which is neutral and polar, with leucine, which is neutral and non-polar, at codon 1068 of the LRP2 protein (p.Ser1068Leu). This variant is not present in population databases (gnomAD no frequency). This variant has not been reported in the literature in individuals affected with LRP2-related conditions. ClinVar contains an entry for this variant (Variation ID: 2111602). An algorithm developed to predict the effect of missense changes on protein structure and function (PolyPhen-2) suggests that this variant is likely to be disruptive. In summary, the available evidence is currently insufficient to determine the role of this variant in disease. Therefore, it has been classified as a Variant of Uncertain Significance.

NM_004525.3(LRP2):c.3203C>T (p.Ser1068Leu)

Gene: LRP2 (LDL receptor related protein 2; minus strand). Cytogenetic location: 2q31.1.
Variant type: single nucleotide variant.
Coding change: c.3203C>T on transcript NM_004525.3 (MANE Select); coding-DNA position 3203, C replaced by T.
Protein change: p.Ser1068Leu; replaces serine 1068 with leucine.
Molecular consequence: missense variant.
Genome position (GRCh38, 1-based): chr2:169,244,920, G>A on the plus strand (C>T on the coding strand, the complement: LRP2 is on the minus strand). VCF-style: chr2-169244920-G-A. GRCh37 (hg19) VCF-style: chr2-170101430-G-A.
Other names: short protein forms S1068L.
Identifiers: ClinVar variation 2111602 (VCV002111602.4), dbSNP rs771941481, ClinGen allele CA1955090.